The following is an entry in ClinVar:

ClinVar aggregate classification (germline): Uncertain significance (1 of 4 stars; one submission).

Conditions:
Bloom syndrome (BLM). Also called: Bloom-Torre-Machacek syndrome. Identifiers: Orphanet 125, MedGen C0005859, MONDO:0008876, OMIM 210900.

Allele frequency attached by ClinVar (database versions not stated): gnomAD 0.00001.
gnomAD v4.1: 2 of 1,544,156 alleles (0.00013%); highest among the groups gnomAD compares: African/African-American, 0.0028%; no homozygotes.

Submission:

Labcorp Genetics (formerly Invitae), Labcorp
Classification: Uncertain significance for Bloom syndrome. Last evaluated: 2021-08-31. Review status: criteria provided, single submitter. Criteria: Invitae Variant Classification Sherloc (09022015). Collection method: clinical testing. Allele origin: germline.
Comment: This sequence change replaces serine with cysteine at codon 580 of the BLM protein (p.Ser580Cys). The serine residue is weakly conserved and there is a moderate physicochemical difference between serine and cysteine. This variant is not present in population databases (ExAC no frequency). This variant has not been reported in the literature in individuals affected with BLM-related conditions. Algorithms developed to predict the effect of missense changes on protein structure and function are either unavailable or do not agree on the potential impact of this missense change (SIFT: "Deleterious"; PolyPhen-2: "Benign"; Align-GVGD: "Class C0"). In summary, the available evidence is currently insufficient to determine the role of this variant in disease. Therefore, it has been classified as a Variant of Uncertain Significance.

NM_000057.4(BLM):c.1739C>G (p.Ser580Cys)

Gene: BLM (BLM RecQ like helicase; plus strand). Cytogenetic location: 15q26.1.
Variant type: single nucleotide variant.
Coding change: c.1739C>G on transcript NM_000057.4 (MANE Select); coding-DNA position 1739, C replaced by G.
Protein change: p.Ser580Cys; replaces serine 580 with cysteine.
Molecular consequence: missense variant.
Genome position (GRCh38, 1-based): chr15:90,761,112, C>G. VCF-style: chr15-90761112-C-G. GRCh37 (hg19) VCF-style: chr15-91304342-C-G.
Other names: c.1739C>G, p.Ser580Cys (NM_001287246.2, NM_001287247.2); c.614C>G, p.Ser205Cys (NM_001287248.2); short protein forms S580C, S205C.
Identifiers: ClinVar variation 945887 (VCV000945887.7), dbSNP rs1895974290, ClinGen allele CA393843743.
Genomic context (GRCh38, chr15:90,761,112, plus strand): 5'-ACTTTGATGATGATGATGACTGGGAAGACATAATGCATAATTTAGCAGCCAGCAAATCTT[C>G]CACAGCTGCCTATCAACCCATCAAGGAAGGTCGGCCAATTAAATCAGTATCAGAAAGACT-3'
Protein context (NP_000048.1, residues 570-590): IMHNLAASKS[Ser580Cys]TAAYQPIKEG